The following is an entry in ClinVar:

NM_003924.4(PHOX2B):c.508G>A (p.Gly170Ser)

Gene: PHOX2B (paired like homeobox 2B; minus strand). Cytogenetic location: 4p13.
Variant type: single nucleotide variant.
Coding change: c.508G>A on transcript NM_003924.4 (MANE Select); coding-DNA position 508, G replaced by A.
Protein change: p.Gly170Ser; replaces glycine 170 with serine.
Molecular consequence: missense variant.
Genome position (GRCh38, 1-based): chr4:41,746,244, C>T on the plus strand (G>A on the coding strand, the complement: PHOX2B is on the minus strand). VCF-style: chr4-41746244-C-T. GRCh37 (hg19) VCF-style: chr4-41748261-C-T.
Other names: short protein forms G170S.
Identifiers: ClinVar variation 1444821 (VCV001444821.9), dbSNP rs775931264, ClinGen allele CA356738444.

ClinVar aggregate classification (germline): Uncertain significance. Review status: criteria provided, multiple submitters, no conflicts (2 of 4 stars). 2 submissions from 2 submitters: Uncertain significance (2). Last evaluated 2025-09-10.

Conditions:
Haddad syndrome (OHD). Also called: Ondine-Hirschsprung disease. Identifiers: Orphanet 99803, MedGen C1859049, MONDO:0020493.
Hereditary cancer-predisposing syndrome. Also called: Tumor predisposition; Hereditary Cancer Syndrome; Hereditary neoplastic syndrome; Neoplastic Syndromes, Hereditary. Identifiers: Orphanet 140162, MedGen C0027672, MeSH D009386, MONDO:0015356.

gnomAD v4.1: 3 of 1,613,942 alleles (0.00019%); highest among the groups gnomAD compares: Non-Finnish European, 0.00025%; no homozygotes.

Submissions (2):

Ambry Genetics
Classification: Uncertain significance for Hereditary cancer-predisposing syndrome. Last evaluated: 2025-09-10. Review status: criteria provided, single submitter. Criteria: Ambry Variant Classification Scheme 2023. Collection method: clinical testing. Allele origin: germline.
Comment: The p.G170S variant (also known as c.508G>A), located in coding exon 3 of the PHOX2B gene, results from a G to A substitution at nucleotide position 508. The glycine at codon 170 is replaced by serine, an amino acid with similar properties. This amino acid position is conserved. In addition, this alteration is predicted to be tolerated by in silico analysis. Since supporting evidence is limited at this time, the clinical significance of this alteration remains unclear.

Labcorp Genetics (formerly Invitae), Labcorp
Classification: Uncertain significance for Haddad syndrome. Last evaluated: 2021-10-21. Review status: criteria provided, single submitter. Criteria: Invitae Variant Classification Sherloc (09022015). Collection method: clinical testing. Allele origin: germline.
Comment: In summary, the available evidence is currently insufficient to determine the role of this variant in disease. Therefore, it has been classified as a Variant of Uncertain Significance. Algorithms developed to predict the effect of missense changes on protein structure and function are either unavailable or do not agree on the potential impact of this missense change (SIFT: "Tolerated"; PolyPhen-2: "Not Available"; Align-GVGD: "Class C0"). This variant has not been reported in the literature in individuals affected with PHOX2B-related conditions. This variant is not present in population databases (ExAC no frequency). This sequence change replaces glycine with serine at codon 170 of the PHOX2B protein (p.Gly170Ser). The glycine residue is highly conserved and there is a small physicochemical difference between glycine and serine.